The following is an entry in ClinVar:

NM_032620.4(GTPBP3):c.931G>A (p.Val311Met)

Gene: GTPBP3 (GTP binding protein 3, mitochondrial; plus strand). Cytogenetic location: 19p13.11.
Variant type: single nucleotide variant.
Coding change: c.931G>A on transcript NM_032620.4 (MANE Select); coding-DNA position 931, G replaced by A.
Protein change: p.Val311Met; replaces valine 311 with methionine.
Molecular consequence: missense variant.
Genome position (GRCh38, 1-based): chr19:17,339,556, G>A. VCF-style: chr19-17339556-G-A. GRCh37 (hg19) VCF-style: chr19-17450365-G-A.
Other names: c.931G>A, p.Val311Met (NM_001128855.3); c.997G>A, p.Val333Met (NM_001195422.1); c.1027G>A, p.Val343Met (NM_133644.4); short protein forms V311M, V333M, V343M.
Identifiers: ClinVar variation 1303240 (VCV001303240.7), dbSNP rs140393384, ClinGen allele CA9293574.

ClinVar aggregate classification (germline): Uncertain significance. Review status: criteria provided, multiple submitters, no conflicts (2 of 4 stars). 3 submissions from 3 submitters: Uncertain significance (3). Last evaluated 2025-06-01.

Conditions:
Inborn genetic diseases. Identifiers: MedGen C0950123, MeSH D030342.

Allele frequency attached by ClinVar (database versions not stated): gnomAD 0.00001; gnomAD exomes 0.00002; ExAC 0.00004; TOPMed 0.00004; ESP Exome Variant Server 0.00008.
gnomAD v4.1: 108 of 1,612,390 alleles (0.0067%); highest among the groups gnomAD compares: Non-Finnish European, 0.0083%; no homozygotes.

Submissions (3):

GeneDx
Classification: Uncertain significance. Last evaluated: 2025-06-01. Review status: criteria provided, single submitter. Criteria: GeneDx Variant Classification Process June 2021. Collection method: clinical testing. Allele origin: germline. Affected: yes.
Comment: Not observed at significant frequency in large population cohorts (gnomAD); In silico analysis suggests that this missense variant does not alter protein structure/function; Has not been previously published as pathogenic or benign to our knowledge

Ambry Genetics
Classification: Uncertain significance for Inborn genetic diseases. Last evaluated: 2025-02-25. Review status: criteria provided, single submitter. Criteria: Ambry Variant Classification Scheme 2023. Collection method: clinical testing. Allele origin: germline.

Labcorp Genetics (formerly Invitae), Labcorp
Classification: Uncertain significance. Last evaluated: 2024-02-17. Review status: criteria provided, single submitter. Criteria: Invitae Variant Classification Sherloc (09022015). Collection method: clinical testing. Allele origin: germline.
Comment: This sequence change replaces valine, which is neutral and non-polar, with methionine, which is neutral and non-polar, at codon 343 of the GTPBP3 protein (p.Val343Met). This variant is present in population databases (rs140393384, gnomAD 0.02%). This variant has not been reported in the literature in individuals affected with GTPBP3-related conditions. ClinVar contains an entry for this variant (Variation ID: 1303240). Advanced modeling of protein sequence and biophysical properties (such as structural, functional, and spatial information, amino acid conservation, physicochemical variation, residue mobility, and thermodynamic stability) performed at Invitae indicates that this missense variant is not expected to disrupt GTPBP3 protein function with a negative predictive value of 80%. In summary, the available evidence is currently insufficient to determine the role of this variant in disease. Therefore, it has been classified as a Variant of Uncertain Significance.